The following is an entry in ClinVar:

ClinVar aggregate classification (germline): Uncertain significance (1 of 4 stars; one submission).

Conditions:
Neuronal ceroid lipofuscinosis. Also called: Neuronal Ceroid Lipofuscinoses. Identifiers: Orphanet 216, Orphanet 79263, MedGen C0027877, MONDO:0016295. Disease mechanism: loss of function.

Submission:

Labcorp Genetics (formerly Invitae), Labcorp
Classification: Uncertain significance for Neuronal ceroid lipofuscinosis. Last evaluated: 2024-02-17. Review status: criteria provided, single submitter. Criteria: Invitae Variant Classification Sherloc (09022015). Collection method: clinical testing. Allele origin: germline.
Comment: This sequence change replaces serine, which is neutral and polar, with isoleucine, which is neutral and non-polar, at codon 5 of the CTSD protein (p.Ser5Ile). This variant is not present in population databases (gnomAD no frequency). This variant has not been reported in the literature in individuals affected with CTSD-related conditions. ClinVar contains an entry for this variant (Variation ID: 1424779). Experimental studies and prediction algorithms are not available or were not evaluated, and the functional significance of this variant is currently unknown. In summary, the available evidence is currently insufficient to determine the role of this variant in disease. Therefore, it has been classified as a Variant of Uncertain Significance.

NM_001909.5(CTSD):c.14G>T (p.Ser5Ile)

Genes: CTSD (cathepsin D; minus strand), LOC130005119 (ATAC-STARR-seq lymphoblastoid silent region 3058; plus strand). Cytogenetic location: 11p15.5.
Variant type: single nucleotide variant.
Coding change: c.14G>T on transcript NM_001909.5 (MANE Select); coding-DNA position 14, G replaced by T.
Protein change: p.Ser5Ile; replaces serine 5 with isoleucine.
Molecular consequence: missense variant.
Genome position (GRCh38, 1-based): chr11:1,763,846, C>A on the plus strand (G>T on the coding strand, the complement: CTSD is on the minus strand). VCF-style: chr11-1763846-C-A. GRCh37 (hg19) VCF-style: chr11-1785076-C-A.
Other names: short protein forms S5I.
Identifiers: ClinVar variation 1424779 (VCV001424779.5), dbSNP rs764386803, ClinGen allele CA216183692.